The following is an entry in ClinVar:

ClinVar aggregate classification (germline): Likely pathogenic (1 of 4 stars; one submission).

Conditions:
Cardiovascular phenotype. Identifiers: MedGen CN230736.

Submission:

Ambry Genetics
Classification: Likely pathogenic for Cardiovascular phenotype. Last evaluated: 2023-08-01. Review status: criteria provided, single submitter. Criteria: Ambry Variant Classification Scheme 2023. Collection method: clinical testing. Allele origin: germline.
Comment: The c.3564_3565insAlu likely pathogenic variant results from the insertion of an Alu element between nucleotides 3564 and 3565 in coding exon 23 of the DSP gene. Mobile element insertions contribute to pathogenicity by either disrupting the coding sequence or inducing aberrant splicing (Belancio VP et al. Semin. Cancer Biol. 2010 Aug;20:200-10; Deininger P et al. Genome Biol. 2011 Dec;12:236; van der Klift HM Hum Mutat. 2012 Jul;33(7):1051-5). The resulting transcript is predicted to result in the removal of a coiled-coil region (Bauce B et al. Eur Heart J. 2005 Aug;26(16):1666-75; Ambry internal data). Based on the majority of available evidence to date, this variant is likely to be pathogenic.

NM_004415.2:c.3564_3565insALU

Gene: DSP (desmoplakin; plus strand).
Variant type: Insertion.
Identifiers: ClinVar variation 2587385 (VCV002587385.2).